The following is an entry in ClinVar:

ClinVar aggregate classification (germline): Uncertain significance (1 of 4 stars; one submission).

gnomAD v4.1: 4 of 1,614,128 alleles (0.00025%); highest among the groups gnomAD compares: Non-Finnish European, 0.00034%; no homozygotes.

Submission:

Dasa
Classification: Uncertain significance. Last evaluated: 2025-08-26. Review status: criteria provided, single submitter. Criteria: DASA Assertion Criteria. Collection method: clinical testing. Allele origin: germline.
Comment: NM_001256012.3(MYH10):c.5918G>A (p.Gly1973Asp) is a missense variant that results in the substitution of glycine with aspartic acid. This variant is rare in population databases. The currently available literature and clinical evidence are not sufficient to establish a definitive association between this variant and the reported condition. Therefore, this variant is classified as a variant of uncertain significance.

NM_001256012.3(MYH10):c.5918G>A (p.Gly1973Asp)

Gene: MYH10 (myosin heavy chain 10; minus strand). Cytogenetic location: 17p13.1.
Variant type: single nucleotide variant.
Coding change: c.5918G>A on transcript NM_001256012.3 (MANE Select); coding-DNA position 5918, G replaced by A.
Protein change: p.Gly1973Asp; replaces glycine 1973 with aspartic acid.
Molecular consequence: missense variant.
Genome position (GRCh38, 1-based): chr17:8,475,910, C>T on the plus strand (G>A on the coding strand, the complement: MYH10 is on the minus strand). VCF-style: chr17-8475910-C-T. GRCh37 (hg19) VCF-style: chr17-8379228-C-T.
Other names: c.5852G>A, p.Gly1951Asp (NM_001256095.2); c.5855G>A, p.Gly1952Asp (NM_001375266.1); c.5825G>A, p.Gly1942Asp (NM_005964.5); short protein forms G1942D, G1951D, G1952D, G1973D.
Identifiers: ClinVar variation 5020876 (VCV005020876.1).
Genomic context (GRCh38, chr17:8,475,910, plus strand): 5'-CTTTCTGTGTCATCGTCGGAGAGCTCCAGGGAAGCTCCTTCAAGGTGCAGCTGGCGCCGG[C>T]CAGATCGGCTGGAAGAGAAGCTGATGGGGCCACCCCGCCTGGAGAACACAGGAAGCAGAT-3'
Protein context (NP_001242941.1, residues 1963-1983): GPISFSSSRS[Gly1973Asp]RRQLHLEGAS